The following is an entry in ClinVar:

NM_000388.4(CASR):c.1553G>A (p.Gly518Glu)

Gene: CASR (calcium sensing receptor; plus strand). Cytogenetic location: 3q21.1.
Variant type: single nucleotide variant.
Coding change: c.1553G>A on transcript NM_000388.4 (MANE Select); coding-DNA position 1553, G replaced by A.
Protein change: p.Gly518Glu; replaces glycine 518 with glutamic acid.
Molecular consequence: missense variant.
Genome position (GRCh38, 1-based): chr3:122,275,987, G>A. VCF-style: chr3-122275987-G-A. GRCh37 (hg19) VCF-style: chr3-121994834-G-A.
Other names: c.1553G>A, p.Gly518Glu (NM_001178065.2); short protein forms G518E.
Identifiers: ClinVar variation 848618 (VCV000848618.12), dbSNP rs377233360, ClinGen allele CA2569676.

ClinVar aggregate classification (germline): Uncertain significance. Review status: criteria provided, multiple submitters, no conflicts (2 of 4 stars). 2 submissions from 2 submitters: Uncertain significance (2). Last evaluated 2023-12-10.

Conditions:
Autosomal dominant hypocalcemia 1 (HYPOC1). Also called: HYPOCALCEMIA, FAMILIAL. Identifiers: MedGen C3715128, MONDO:0011013, OMIM 601198.
Familial hypocalciuric hypercalcemia (FHH). Also called: Familial benign hypercalcemia. Identifiers: Orphanet 405, MedGen C1809471, MONDO:0018458.
Nephrolithiasis/nephrocalcinosis. Identifiers: MedGen CN580796.

Allele frequency attached by ClinVar (database versions not stated): gnomAD exomes below 0.00001; ExAC 0.00001; gnomAD 0.00001 and 0.00002; TOPMed 0.00002; ESP Exome Variant Server 0.00008; 1000 Genomes Project 30x 0.00016; 1000 Genomes Project 0.00020.

Submissions (2):

Ambry Genetics
Classification: Uncertain significance for Nephrolithiasis/nephrocalcinosis. Last evaluated: 2023-12-10. Review status: criteria provided, single submitter. Criteria: Ambry Variant Classification Scheme 2023. Collection method: clinical testing. Allele origin: germline.
Comment: The p.G518E variant (also known as c.1553G>A), located in coding exon 4 of the CASR gene, results from a G to A substitution at nucleotide position 1553. The glycine at codon 518 is replaced by glutamic acid, an amino acid with similar properties. This amino acid position is highly conserved in available vertebrate species. In addition, the in silico prediction for this alteration is inconclusive. Since supporting evidence is limited at this time, the clinical significance of this alteration remains unclear.

Labcorp Genetics (formerly Invitae), Labcorp
Classification: Uncertain significance for Familial hypocalciuric hypercalcemia; Autosomal dominant hypocalcemia 1. Last evaluated: 2021-03-15. Review status: criteria provided, single submitter. Criteria: Invitae Variant Classification Sherloc (09022015). Collection method: clinical testing. Allele origin: germline.
Comment: In summary, the available evidence is currently insufficient to determine the role of this variant in disease. Therefore, it has been classified as a Variant of Uncertain Significance. Algorithms developed to predict the effect of missense changes on protein structure and function (SIFT, PolyPhen-2, Align-GVGD) all suggest that this variant is likely to be disruptive, but these predictions have not been confirmed by published functional studies and their clinical significance is uncertain. This variant has not been reported in the literature in individuals with CASR-related conditions. This variant is present in population databases (rs377233360, ExAC 0.01%). This sequence change replaces glycine with glutamic acid at codon 518 of the CASR protein (p.Gly518Glu). The glycine residue is highly conserved and there is a moderate physicochemical difference between glycine and glutamic acid.